The following is an entry in ClinVar:

NM_001190737.2(NFIB):c.386G>A (p.Arg129His)

Gene: NFIB (nuclear factor I B; minus strand). Cytogenetic location: 9p22.3.
Variant type: single nucleotide variant.
Coding change: c.386G>A on transcript NM_001190737.2 (MANE Select); coding-DNA position 386, G replaced by A.
Protein change: p.Arg129His; replaces arginine 129 with histidine.
Molecular consequence: missense variant. On other transcripts: intron variant (3).
Genome position (GRCh38, 1-based): chr9:14,307,165, C>T on the plus strand (G>A on the coding strand, the complement: NFIB is on the minus strand). VCF-style: chr9-14307165-C-T. GRCh37 (hg19) VCF-style: chr9-14307164-C-T.
Other names: c.464G>A, p.Arg155His (NM_001190738.2); c.452G>A, p.Arg151His (NM_001369458.1, NM_001369459.1, NM_001369462.1 and 1 more transcripts); c.374G>A, p.Arg125His (NM_001369460.1, NM_001369473.1, NM_001369463.1 and 2 more transcripts); c.386G>A, p.Arg129His (NM_001369461.1, NM_001369477.1, NM_001369481.1 and 3 more transcripts); c.371G>A, p.Arg124His (NM_001369474.1); c.359G>A, p.Arg120His (NM_001369476.1, NM_001369465.1, NM_001369467.1); c.325+49G>A (NM_001369478.1, NM_001369470.1); c.337+49G>A (NM_001369475.1); and 1 more; short protein forms R120H, R124H, R125H, R129H, R151H, R155H, R81H.
Identifiers: ClinVar variation 983079 (VCV000983079.2), dbSNP rs2060062099, ClinGen allele CA373090203.

ClinVar aggregate classification (germline): Conflicting classifications of pathogenicity. Review status: criteria provided, conflicting classifications (1 of 4 stars). 2 submissions from 2 submitters: Pathogenic (1); Uncertain significance (1). Last evaluated 2025-06-10.

Conditions:
Macrocephaly, acquired, with impaired intellectual development. Also called: MACROCEPHALY, ACQUIRED, WITH MENTAL RETARDATION. Identifiers: MedGen C4748993, MONDO:0032658, OMIM 618286.

Allele frequency attached by ClinVar (database versions not stated): gnomAD exomes below 0.00001.

Submissions (2):

GeneDx
Classification: Pathogenic. Last evaluated: 2025-06-10. Review status: criteria provided, single submitter. Criteria: GeneDx Variant Classification Process June 2021. Collection method: clinical testing. Allele origin: germline. Affected: yes.
Comment: Not observed at significant frequency in large population cohorts (gnomAD); In silico analysis supports that this missense variant has a deleterious effect on protein structure/function; Has not been previously published as pathogenic or benign to our knowledge

Institute of Human Genetics, University of Leipzig Medical Center
Classification: Uncertain significance for Macrocephaly, acquired, with impaired intellectual development. Last evaluated: 2019-01-01. Review status: criteria provided, single submitter. Criteria: ACMG Guidelines, 2015. Collection method: clinical testing. Allele origin: unknown. Affected: yes.